The following is an entry in ClinVar:

NM_012123.4(MTO1):c.301T>C (p.Ser101Pro)

Gene: MTO1 (mitochondrial tRNA translation optimization 1; plus strand). Cytogenetic location: 6q13.
Variant type: single nucleotide variant.
Coding change: c.301T>C on transcript NM_012123.4 (MANE Select); coding-DNA position 301, T replaced by C.
Protein change: p.Ser101Pro; replaces serine 101 with proline.
Molecular consequence: missense variant.
Genome position (GRCh38, 1-based): chr6:73,466,292, T>C. VCF-style: chr6-73466292-T-C. GRCh37 (hg19) VCF-style: chr6-74176015-T-C.
Other names: c.301T>C, p.Ser101Pro (NM_001123226.2, NM_133645.3); short protein forms S101P.
Identifiers: ClinVar variation 1435153 (VCV001435153.6), dbSNP rs1235731820, ClinGen allele CA364712636.
Genomic context (GRCh38, chr6:73,466,292, plus strand): 5'-TTTGGTGGCATCGGAAAGGGACATTTAATGAGGGAAGTAGATGCCTTGGATGGCCTGTGT[T>C]CTCGCATCTGTGACCAGTCTGGTGTACATTATAAAGTATTAAACCGGCGTAAGGGACCAG-3'
Protein context (NP_036255.2, residues 91-111): REVDALDGLC[Ser101Pro]RICDQSGVHY

ClinVar aggregate classification (germline): Uncertain significance (1 of 4 stars; one submission).

Conditions:
Mitochondrial hypertrophic cardiomyopathy with lactic acidosis due to MTO1 deficiency. Also called: CARDIOMYOPATHY, INFANTILE HYPERTROPHIC MITOCHONDRIAL, AND LACTIC ACIDOSIS; Combined oxidative phosphorylation deficiency 10. Identifiers: Orphanet 314637, MedGen C4749921, MONDO:0013865, OMIM 614702.

Allele frequency attached by ClinVar (database versions not stated): gnomAD exomes below 0.00001.

Submission:

Labcorp Genetics (formerly Invitae), Labcorp
Classification: Uncertain significance for Mitochondrial hypertrophic cardiomyopathy with lactic acidosis due to MTO1 deficiency. Last evaluated: 2021-11-24. Review status: criteria provided, single submitter. Criteria: Invitae Variant Classification Sherloc (09022015). Collection method: clinical testing. Allele origin: germline.
Comment: This sequence change replaces serine, which is neutral and polar, with proline, which is neutral and non-polar, at codon 101 of the MTO1 protein (p.Ser101Pro). This variant is present in population databases (no rsID available, gnomAD 0.003%). This variant has not been reported in the literature in individuals affected with MTO1-related conditions. Algorithms developed to predict the effect of missense changes on protein structure and function are either unavailable or do not agree on the potential impact of this missense change (SIFT: "Tolerated"; PolyPhen-2: "Possibly Damaging"; Align-GVGD: "Class C0"). In summary, the available evidence is currently insufficient to determine the role of this variant in disease. Therefore, it has been classified as a Variant of Uncertain Significance.